The following is an entry in ClinVar:

ClinVar aggregate classification (germline): Pathogenic/Likely pathogenic. Review status: criteria provided, multiple submitters, no conflicts (2 of 4 stars). 6 submissions from 6 submitters: Pathogenic (2); Likely pathogenic (4). Last evaluated 2026-02-19.

Conditions:
Congenital bile acid synthesis defect 2 (CBAS2). Also called: CHOLESTASIS WITH DELTA(4)-3-OXOSTEROID 5-BETA-REDUCTASE DEFICIENCY. Identifiers: Orphanet 79303, MedGen C1856127, MONDO:0009339, OMIM 235555.
AKR1D1-related disorder. Also called: AKR1D1-related condition.

Allele frequency attached by ClinVar (database versions not stated): TOPMed 0.00003; gnomAD 0.00004; gnomAD exomes 0.00004 and 0.00006; ExAC 0.00007; ESP Exome Variant Server 0.00008; 1000 Genomes Project 0.00020; 1000 Genomes Project 30x 0.00031.
gnomAD v4.1: 61 of 1,614,156 alleles (0.0038%); highest among the groups gnomAD compares: East Asian, 0.045%; no homozygotes.

Submissions (6):

Genetics and Genomic Medicine Centre, NeuroGen Healthcare, NeuroGen Healthcare
Classification: Likely pathogenic for Congenital bile acid synthesis defect 2. Last evaluated: 2026-02-19. Review status: criteria provided, single submitter. Criteria: ACMG Guidelines, 2015. Collection method: clinical testing. Allele origin: unknown. Affected: yes.

PreventionGenetics, part of Exact Sciences
Classification: Pathogenic for AKR1D1-related condition. Last evaluated: 2025-12-29. Review status: criteria provided, single submitter. Criteria: ACMG Guidelines, 2015. Collection method: clinical testing. Allele origin: germline.
Comment: The AKR1D1 c.797G>A variant is predicted to result in the amino acid substitution p.Arg266Gln. This variant has been reported in the homozygous and compound heterozygous states in at least five unrelated individuals with bile acid synthesis defect or related disorder (Chen et al. 2019. PubMed ID: 31337596; Table S7, Stranneheim et al. 2021. PubMed ID: 33726816; Pham et al. 2022. PubMed ID: 35758383; Zhao et al. 2023. PubMed ID: 36739965; Kimura et al. 2023. PubMed ID: 38034430). This variant is reported in 0.070% of alleles in individuals of East Asian descent in gnomAD. This variant is interpreted as pathogenic.

Women's Health and Genetics/Laboratory Corporation of America, LabCorp
Classification: Pathogenic for Congenital bile acid synthesis defect 2. Last evaluated: 2024-07-22. Review status: criteria provided, single submitter. Criteria: LabCorp Variant Classification Summary - May 2015. Collection method: clinical testing. Allele origin: germline.
Comment: Variant summary: AKR1D1 c.797G>A (p.Arg266Gln) results in a conservative amino acid change located in the NADP-dependent oxidoreductase domain (IPR023210) of the encoded protein sequence. Three of five in-silico tools predict a benign effect of the variant on protein function. The variant allele was found at a frequency of 6.4e-05 in 251348 control chromosomes. This frequency is not significantly higher than estimated for a pathogenic variant in AKR1D1 causing Congenital bile acid synthesis defect 2, allowing no conclusion about variant significance. c.797G>A has been reported in the literature in multiple individuals affected with AKR1D1 deficiency (Zhang_2019). These data indicate that the variant is very likely to be associated with disease. The following publication has been ascertained in the context of this evaluation (PMID: 30809085). ClinVar contains an entry for this variant (Variation ID: 1064451). Based on the evidence outlined above, the variant was classified as pathogenic.

Revvity Omics, Revvity
Classification: Likely pathogenic for Congenital bile acid synthesis defect 2. Last evaluated: 2022-05-03. Review status: criteria provided, single submitter. Criteria: ACMG Guidelines, 2015. Collection method: clinical testing. Allele origin: germline.

Centre for Inherited Metabolic Diseases, Karolinska University Hospital
Classification: Likely pathogenic for Congenital bile acid synthesis defect 2. Last evaluated: 2021-04-13. Review status: criteria provided, single submitter. Criteria: ACMG Guidelines, 2015. Collection method: clinical testing. Allele origin: germline. Inheritance: Autosomal recessive inheritance. Affected: yes. Observed: 1 homozygote.

Juno Genomics, Hangzhou Juno Genomics, Inc
Classification: Likely pathogenic for Congenital bile acid synthesis defect 2. Review status: criteria provided, single submitter. Criteria: ACMG Guidelines, 2015. Collection method: clinical testing. Allele origin: germline.
Comment: Absent from controls (or at extremely low frequency if recessive) in Genome Aggregation Database.;For recessive disorders, detected in trans with a pathogenic variant.;Patient's phenotype or family history is highly specific for a disease with a single genetic etiology.

Literature cited by the submitters: PubMed 30809085 (cited by Women's Health and Genetics/Laboratory Corporation of America, LabCorp).

NM_005989.4(AKR1D1):c.797G>A (p.Arg266Gln)

Gene: AKR1D1 (aldo-keto reductase family 1 member D1; plus strand). Cytogenetic location: 7q33.
Variant type: single nucleotide variant.
Coding change: c.797G>A on transcript NM_005989.4 (MANE Select); coding-DNA position 797, G replaced by A.
Protein change: p.Arg266Gln; replaces arginine 266 with glutamine.
Molecular consequence: missense variant.
Genome position (GRCh38, 1-based): chr7:138,107,522, G>A. VCF-style: chr7-138107522-G-A. GRCh37 (hg19) VCF-style: chr7-137792268-G-A.
Other names: c.797G>A (NM_005989.3); c.674G>A, p.Arg225Gln (NM_001190906.2); c.797G>A, p.Arg266Gln (NM_001190907.2); short protein forms R225Q, R266Q.
Identifiers: ClinVar variation 1064451 (VCV001064451.10), dbSNP rs182820353, ClinGen allele CA4502829.
Genomic context (GRCh38, chr7:138,107,522, plus strand): 5'-CATTGGGGAAAAGGTACAATAAGACAGCAGCTCAAATTGTTTTGCGTTTCAACATCCAGC[G>A]AGGGGTGGTTGTCATTCCTAAAAGCTTTAATCTTGAAAGGATCAAAGAAAATTTTCAGGT-3'
Protein context (NP_005980.1, residues 256-276): AQIVLRFNIQ[Arg266Gln]GVVVIPKSFN